The following is an entry in ClinVar:

NM_001037160.3(CYS1):c.54C>G (p.Pro18=)

Genes: CYS1 (cystin 1; minus strand), LOC129933088 (ATAC-STARR-seq lymphoblastoid silent region 11155; plus strand). Cytogenetic location: 2p25.1.
Variant type: single nucleotide variant.
Coding change: c.54C>G on transcript NM_001037160.3 (MANE Select); coding-DNA position 54, C replaced by G.
Protein change: p.Pro18=; no amino-acid change (proline 18 retained).
Molecular consequence: synonymous variant.
Genome position (GRCh38, 1-based): chr2:10,080,170, G>C on the plus strand (C>G on the coding strand, the complement: CYS1 is on the minus strand). VCF-style: chr2-10080170-G-C. GRCh37 (hg19) VCF-style: chr2-10220297-G-C.
Identifiers: ClinVar variation 3356355 (VCV003356355.1).

ClinVar aggregate classification (germline): Likely benign (0 of 4 stars; one submission).

Conditions:
CYS1-related condition.

gnomAD v4.1: 1 of 1,064,452 alleles (0.000094%); highest among the groups gnomAD compares: Non-Finnish European, 0.00011%; no homozygotes.

Submission:

PreventionGenetics, part of Exact Sciences
Classification: Likely benign for CYS1-related condition. Last evaluated: 2024-09-20. Review status: no assertion criteria provided. Collection method: clinical testing. Allele origin: germline.
Comment: This variant is classified as likely benign based on ACMG/AMP sequence variant interpretation guidelines (Richards et al. 2015 PMID: 25741868, with internal and published modifications).